The following is an entry in ClinVar:

NM_003743.5(NCOA1):c.903A>G (p.Gln301=)

Gene: NCOA1 (nuclear receptor coactivator 1; plus strand). Cytogenetic location: 2p23.3.
Variant type: single nucleotide variant.
Coding change: c.903A>G on transcript NM_003743.5 (MANE Select); coding-DNA position 903, A replaced by G.
Protein change: p.Gln301=; no amino-acid change (glutamine 301 retained).
Molecular consequence: synonymous variant.
Genome position (GRCh38, 1-based): chr2:24,697,752, A>G. VCF-style: chr2-24697752-A-G. GRCh37 (hg19) VCF-style: chr2-24920621-A-G.
Other names: c.903A>G, p.Gln301= (NM_001362950.1, NM_001362952.1, NM_001362954.1 and 3 more transcripts).
Identifiers: ClinVar variation 4981164 (VCV004981164.1).

ClinVar aggregate classification (germline): Likely benign (1 of 4 stars; one submission).

Conditions:
NCOA1-related disorder. Also called: NCOA1-related condition.

gnomAD v4.1: 31 of 1,613,824 alleles (0.0019%); highest among the groups gnomAD compares: South Asian, 0.015%; no homozygotes.

Submission:

PreventionGenetics, part of Exact Sciences
Classification: Likely benign for NCOA1-related condition. Last evaluated: 2025-03-27. Review status: criteria provided, single submitter. Criteria: ACMG Guidelines, 2015. Collection method: clinical testing. Allele origin: germline.
Comment: This variant is classified as likely benign based on ACMG/AMP sequence variant interpretation guidelines (Richards et al. 2015 PMID: 25741868, with internal and published modifications).